The following is an entry in ClinVar:

NM_001267550.2(TTN):c.95259C>T (p.Leu31753=)

Genes: TTN-AS1 (TTN antisense RNA 1; plus strand), TTN (titin; minus strand). Cytogenetic location: 2q31.2.
Variant type: single nucleotide variant.
Coding change: c.95259C>T on transcript NM_001267550.2 (MANE Select); coding-DNA position 95259, C replaced by T.
Protein change: p.Leu31753=; no amino-acid change (leucine 31753 retained).
Molecular consequence: synonymous variant.
Genome position (GRCh38, 1-based): chr2:178,545,977, G>A on the plus strand (C>T on the coding strand, the complement: TTN is on the minus strand). VCF-style: chr2-178545977-G-A. GRCh37 (hg19) VCF-style: chr2-179410704-G-A.
Other names: p.L29185L:CTC>CTT; p.Leu29185=; c.90336C>T, p.Leu30112= (NM_001256850.1); c.68064C>T, p.Leu22688= (NM_003319.4); c.87555C>T, p.Leu29185= (NM_133378.4); c.68439C>T, p.Leu22813= (NM_133432.3); c.68640C>T, p.Leu22880= (NM_133437.4).
Identifiers: ClinVar variation 47554 (VCV000047554.75), dbSNP rs72648258, ClinGen allele CA284120.

ClinVar aggregate classification (germline): Benign/Likely benign. Review status: criteria provided, multiple submitters, no conflicts (2 of 4 stars). 28 submissions from 21 submitters: Benign (16); Likely benign (6). 6 of the submissions do not count toward it. Last evaluated 2026-08-01.

Conditions:
Dilated cardiomyopathy 1G (CMD1G). Identifiers: Orphanet 154, MedGen C1858763, MONDO:0011400, OMIM 604145.
Autosomal recessive limb-girdle muscular dystrophy type 2J (LGMDR10). Also called: MUSCULAR DYSTROPHY, LIMB-GIRDLE, AUTOSOMAL RECESSIVE 10; Limb-girdle muscular dystrophy, type 2J. Identifiers: Orphanet 140922, MedGen C1837342, MONDO:0012127, OMIM 608807.
Cardiovascular phenotype. Identifiers: MedGen CN230736.
Cardiomyopathy (CMYO). Also called: Cardiomyopathies. Identifiers: Orphanet 167848, MedGen C0878544, MONDO:0004994, HP:0001638. Inheritance: Various modes of inheritance.
Early-onset myopathy with fatal cardiomyopathy (CMYO5). Also called: CONGENITAL MYOPATHY 5 WITH CARDIOMYOPATHY; Salih Myopathy. Identifiers: Orphanet 289377, MedGen C2673677, MONDO:0012714, OMIM 611705. Disease mechanism: loss of function.
Myopathy, myofibrillar, 9, with early respiratory failure (MFM9). Also called: Myopathy, distal, with early respiratory failure, autosomal dominant; Hereditary myopathy with early respiratory failure; MYOPATHY, PROXIMAL, WITH EARLY RESPIRATORY MUSCLE INVOLVEMENT; EDSTROM MYOPATHY. Identifiers: Orphanet 178464, Orphanet 34521, MedGen C1863599, MONDO:0011362, OMIM 603689.
Tibial muscular dystrophy (TMD). Also called: Udd Distal Myopathy – Tibial Muscular Dystrophy; Tibial muscular dystrophy, tardive; UDD MYOPATHY. Identifiers: Orphanet 609, MedGen C1838244, MONDO:0010870, OMIM 600334.

Allele frequency attached by ClinVar (database versions not stated): 1000 Genomes Project 0.00220; TOPMed 0.00631; ESP Exome Variant Server 0.00791; gnomAD 0.00641 and 0.00667; ExAC 0.00731; 1000 Genomes Project 30x 0.00219; gnomAD exomes 0.00650.
gnomAD v4.1: 16,051 of 1,613,812 alleles (0.99%); highest among the groups gnomAD compares: Non-Finnish European, 1.2%; 97 homozygotes.

Submissions (28):

CeGaT Center for Human Genetics Tuebingen
Classification: Benign. Last evaluated: 2026-08-01. Review status: criteria provided, single submitter. Criteria: CeGaT Center For Human Genetics Tuebingen Variant Classification Criteria Version 2. Collection method: clinical testing. Allele origin: germline. Affected: yes. Observed: 49 variant alleles.
Comment: TTN: BP4, BP7, BS1, BS2

Labcorp Genetics (formerly Invitae), Labcorp
Classification: Benign for Dilated cardiomyopathy 1G; Autosomal recessive limb-girdle muscular dystrophy type 2J. Last evaluated: 2026-02-04. Review status: criteria provided, single submitter. Criteria: Invitae Variant Classification Sherloc (09022015). Collection method: clinical testing. Allele origin: germline.

ARUP Laboratories, Molecular Genetics and Genomics, ARUP Laboratories
Classification: Benign. Last evaluated: 2025-05-26. Review status: criteria provided, single submitter. Criteria: ARUP Molecular Germline Variant Investigation Process 2024. Collection method: clinical testing. Allele origin: germline.

Molecular Diagnostic Laboratory for Inherited Cardiovascular Disease, Montreal Heart Institute
Classification: Benign. Last evaluated: 2025-04-09. Review status: criteria provided, single submitter. Criteria: ACMG Guidelines, 2015. Collection method: clinical testing. Allele origin: germline. Affected: no.

Blueprint Genetics
Classification: Likely benign. Last evaluated: 2024-11-22. Review status: criteria provided, single submitter. Criteria: ACMG Guidelines, 2015. Collection method: clinical testing. Allele origin: germline.

Genome-Nilou Lab
Classification: Benign for Autosomal recessive limb-girdle muscular dystrophy type 2J. Last evaluated: 2021-09-10. Review status: criteria provided, single submitter. Criteria: ACMG Guidelines, 2015. Collection method: clinical testing. Allele origin: germline. Affected: no.

Genome-Nilou Lab
Classification: Benign for Myopathy, myofibrillar, 9, with early respiratory failure. Last evaluated: 2021-09-10. Review status: criteria provided, single submitter. Criteria: ACMG Guidelines, 2015. Collection method: clinical testing. Allele origin: germline. Affected: no.

Genome-Nilou Lab
Classification: Benign for Early-onset myopathy with fatal cardiomyopathy. Last evaluated: 2021-09-10. Review status: criteria provided, single submitter. Criteria: ACMG Guidelines, 2015. Collection method: clinical testing. Allele origin: germline. Affected: no.

Genome-Nilou Lab
Classification: Benign for Tibial muscular dystrophy. Last evaluated: 2021-09-10. Review status: criteria provided, single submitter. Criteria: ACMG Guidelines, 2015. Collection method: clinical testing. Allele origin: germline. Affected: no.

Women's Health and Genetics/Laboratory Corporation of America, LabCorp
Classification: Benign. Last evaluated: 2020-12-06. Review status: criteria provided, single submitter. Criteria: LabCorp Variant Classification Summary - May 2015. Collection method: clinical testing. Allele origin: germline.

Athena Diagnostics
Classification: Benign. Last evaluated: 2019-05-21. Review status: criteria provided, single submitter. Criteria: Athena Diagnostics Criteria. Collection method: clinical testing. Allele origin: germline.

Mayo Clinic Laboratories, Mayo Clinic
Classification: Benign. Last evaluated: 2018-02-20. Review status: criteria provided, single submitter. Criteria: ACMG Guidelines, 2015. Collection method: clinical testing. Allele origin: germline. Observed: 24 variant alleles.

Illumina Laboratory Services, Illumina
Classification: Likely benign for Autosomal recessive limb-girdle muscular dystrophy type 2J. Last evaluated: 2018-01-13. Review status: criteria provided, single submitter. Criteria: ICSL Variant Classification Criteria 13 December 2019. Collection method: clinical testing. Allele origin: germline.
Comment: This variant was observed in the ICSL laboratory as part of a predisposition screen in an ostensibly healthy population. It had not been previously curated by ICSL or reported in the Human Gene Mutation Database (HGMD: prior to June 1st, 2018), and was therefore a candidate for classification through an automated scoring system. Utilizing variant allele frequency, disease prevalence and penetrance estimates, and inheritance mode, an automated score was calculated to assess if this variant is too frequent to cause the disease. Based on the score and internal cut-off values, a variant classified as likely benign is not then subjected to further curation. The score for this variant resulted in a classification of likely benign for this disease.

Illumina Laboratory Services, Illumina
Classification: Benign for Tibial muscular dystrophy. Last evaluated: 2018-01-13. Review status: criteria provided, single submitter. Criteria: ICSL Variant Classification Criteria 13 December 2019. Collection method: clinical testing. Allele origin: germline.
Comment: This variant was observed in the ICSL laboratory as part of a predisposition screen in an ostensibly healthy population. It had not been previously curated by ICSL or reported in the Human Gene Mutation Database (HGMD: prior to June 1st, 2018), and was therefore a candidate for classification through an automated scoring system. Utilizing variant allele frequency, disease prevalence and penetrance estimates, and inheritance mode, an automated score was calculated to assess if this variant is too frequent to cause the disease. Based on the score and internal cut-off values, a variant classified as benign is not then subjected to further curation. The score for this variant resulted in a classification of benign for this disease.

Illumina Laboratory Services, Illumina
Classification: Benign for Myopathy, myofibrillar, 9, with early respiratory failure. Last evaluated: 2018-01-13. Review status: criteria provided, single submitter. Criteria: ICSL Variant Classification Criteria 13 December 2019. Collection method: clinical testing. Allele origin: germline.
Comment: the same text as in the submission from Illumina Laboratory Services, Illumina above.

Illumina Laboratory Services, Illumina
Classification: Likely benign for Dilated cardiomyopathy 1G. Last evaluated: 2018-01-13. Review status: criteria provided, single submitter. Criteria: ICSL Variant Classification Criteria 13 December 2019. Collection method: clinical testing. Allele origin: germline.
Comment: the same text as in the submission from Illumina Laboratory Services, Illumina above.

Illumina Laboratory Services, Illumina
Classification: Likely benign for Early-onset myopathy with fatal cardiomyopathy. Last evaluated: 2018-01-13. Review status: criteria provided, single submitter. Criteria: ICSL Variant Classification Criteria 13 December 2019. Collection method: clinical testing. Allele origin: germline.
Comment: the same text as in the submission from Illumina Laboratory Services, Illumina above.

CHEO Genetics Diagnostic Laboratory, Children's Hospital of Eastern Ontario
Classification: Benign for Cardiomyopathy. Last evaluated: 2016-11-24. Review status: criteria provided, single submitter. Criteria: ACMG Guidelines, 2015. Collection method: clinical testing. Allele origin: germline. Study: Canadian Open Genetics Repository.

GeneDx
Classification: Benign. Last evaluated: 2013-04-29. Review status: criteria provided, single submitter. Criteria: GeneDx Variant Classification (06012015). Collection method: clinical testing. Allele origin: germline. Affected: yes.
Comment: This variant is considered likely benign or benign based on one or more of the following criteria: it is a conservative change, it occurs at a poorly conserved position in the protein, it is predicted to be benign by multiple in silico algorithms, and/or has population frequency not consistent with disease.

Ambry Genetics
Classification: Likely benign for Cardiovascular phenotype. Last evaluated: 2012-08-07. Review status: criteria provided, single submitter. Criteria: Ambry Autosomal Dominant and X-Linked criteria (10/2015). Collection method: clinical testing. Allele origin: germline. Observed: 1 variant allele.

Laboratory for Molecular Medicine, Mass General Brigham Personalized Medicine
Classification: Benign. Last evaluated: 2012-05-10. Review status: criteria provided, single submitter. Criteria: LMM Criteria. Collection method: clinical testing. Allele origin: germline. Observed: 38 variant alleles.
Comment: Leu29185Leu in Exon 292 of TTN: This variant is not expected to have clinical si gnificance because it does not alter an amino acid residue, is not located withi n the splice consensus sequence and has been identified in 1.1% (74/6756) of Eur opean American chromosomes from a broad population by the NHLBI Exome Sequencing Project (dbSNP rs72648258).

Breakthrough Genomics
Classification: Likely benign. Review status: criteria provided, single submitter. Criteria: ACMG Guidelines, 2015. Collection method: not provided. Allele origin: germline. Inheritance: Autosomal recessive inheritance. Affected: yes.

Clinical Genetics DNA and cytogenetics Diagnostics Lab, Erasmus MC, Erasmus Medical Center
Classification: Benign. Review status: no assertion criteria provided. Collection method: clinical testing. Allele origin: germline. Affected: yes. Study: VKGL Data-share Consensus. Not counted in ClinVar's aggregate classification.

Clinical Genetics, Academic Medical Center
Classification: Benign. Review status: no assertion criteria provided. Collection method: clinical testing. Allele origin: germline. Affected: yes. Study: VKGL Data-share Consensus. Not counted in ClinVar's aggregate classification.

Diagnostic Laboratory, Department of Genetics, University Medical Center Groningen
Classification: Likely benign. Review status: no assertion criteria provided. Collection method: clinical testing. Allele origin: germline. Affected: yes. Study: VKGL Data-share Consensus. Not counted in ClinVar's aggregate classification.

Genetic Services Laboratory, University of Chicago
Classification: Likely benign for AllHighlyPenetrant. Review status: no assertion criteria provided. Collection method: clinical testing. Allele origin: germline. Not counted in ClinVar's aggregate classification.
Comment: Likely benign based on allele frequency in 1000 Genomes Project or ESP global frequency and its presence in a patient with a rare or unrelated disease phenotype. NOT Sanger confirmed.

Joint Genome Diagnostic Labs from Nijmegen and Maastricht, Radboudumc and MUMC+
Classification: Benign. Review status: no assertion criteria provided. Collection method: clinical testing. Allele origin: germline. Affected: yes. Study: VKGL Data-share Consensus. Not counted in ClinVar's aggregate classification.

Laboratory of Diagnostic Genome Analysis, Leiden University Medical Center (LUMC)
Classification: Likely benign. Review status: no assertion criteria provided. Collection method: clinical testing. Allele origin: germline. Affected: yes. Study: VKGL Data-share Consensus. Not counted in ClinVar's aggregate classification.

Literature cited by the submitters: PubMed 17344846 (cited by Athena Diagnostics).